The following is an entry in ClinVar:

ClinVar aggregate classification (germline): Conflicting classifications of pathogenicity. Review status: criteria provided, conflicting classifications (1 of 4 stars). 13 submissions from 11 submitters: Uncertain significance (10); Benign (1). 2 of the submissions do not count toward it. Last evaluated 2026-06-22.

Conditions:
Autosomal recessive nonsyndromic hearing loss 4 (DFNB4). Also called: Deafness, autosomal recessive 4, with enlarged vestibular aqueduct; Deafness, autosomal recessive 4; Enlarged vestibular aqueduct, digenic; FOXI1-Related Pendred Syndrome; KCNJ10-Related Pendred Syndrome; Nonsyndromic enlarged vestibular aqueduct (NSEVA). Identifiers: Orphanet 90636, MedGen C3538946, MONDO:0010933, OMIM 600791.
Pendred syndrome (PDS). Also called: Pendred's syndrome; Pendred Syndrome (PDS); THYROID DYSHORMONOGENESIS 2B; THYROID HORMONOGENESIS, GENETIC DEFECT IN, 2B; DEAFNESS WITH GOITER; GOITER-DEAFNESS SYNDROME. Identifiers: Orphanet 705, MedGen C0271829, MONDO:0010134, OMIM 274600.

Allele frequency attached by ClinVar (database versions not stated): gnomAD exomes 0.00013; 1000 Genomes Project 30x 0.00031; gnomAD 0.00004 and 0.00002; TOPMed 0.00002; 1000 Genomes Project 0.00040; ExAC 0.00012.
gnomAD v4.1: 52 of 1,614,054 alleles (0.0032%); highest among the groups gnomAD compares: East Asian, 0.11%; no homozygotes.

Submissions (13):

Women's Health and Genetics/Laboratory Corporation of America, LabCorp
Classification: Uncertain significance. Last evaluated: 2026-06-22. Review status: criteria provided, single submitter. Criteria: LabCorp Variant Classification Summary - May 2015. Collection method: clinical testing. Allele origin: germline.
Comment: Variant summary: SLC26A4 c.1983C>A (p.Asp661Glu) results in a conservative amino acid change located in the STAS (Sulphate Transporter and AntiSigma factor antagonist) domain (IPR002645) of the encoded protein sequence. Algorithms developed to predict the effect of missense changes on protein structure and function are either unavailable or do not agree on the potential impact of this missense change. The variant allele was found at a frequency of 0.00013 in 251204 control chromosomes, predominantly at a frequency of 0.0017 within the East Asian subpopulation in the gnomAD database. This frequency is not significantly higher than estimated for disease-causing variants in SLC26A4, allowing no conclusion about variant significance. c.1983C>A has been observed in multiple heterozygous individuals who were affected with hearing loss (e.g. Schrijver_2006, Yuan_2012, Dahl_2013, Gu_2014, Iwasa_2019) or congenital hypothyroidism with normal hearing (e.g. Fu_2016, Zhang_2021), however, in some of these hearing loss cases co-occurrences with other (potentially) pathogenic biallelic variants in other genes have been reported, which could explain the phenotype (e.g. in the GJB2 gene, in Schrijver_2006 and Dahl_2013; and in the OTOF gene in Iwasa_2019), providing supporting evidence for a benign role. In addition, in a family, the proband who was affected with hearing loss, had two pathogenic SLC26A4 variants in compound heterozygous state, but didn't carry the variant of interest, while the unaffected mother and unaffected sister both carried the c.1983C>A variant in trans with a pathogenic SLC26A4 variant (Yu_2019). On the other hand, a recent publication reported experimental evidence evaluating an impact on protein function and demonstrated that the p.Asp661Glu variant affected the ion transport function of the protein, but had no effect on the membrane location (Zhang_2021). Furthermore, the Deafness Variation Database (DVD), classified the variant as pathogenic, citing overlapping evidence utilized in the context of this evaluation (Azaiez_2018). The following publications have been ascertained in the context of this evaluation (PMID: 23555729, 30245029, 23185506, 26886089, 24853665, 31095577, 16952406, 30086623, 34545167). ClinVar contains an entry for this variant (Variation ID: 43529). Based on the evidence outlined above, the variant was classified as uncertain significance.

Labcorp Genetics (formerly Invitae), Labcorp
Classification: Benign. Last evaluated: 2026-01-26. Review status: criteria provided, single submitter. Criteria: Invitae Variant Classification Sherloc (09022015). Collection method: clinical testing. Allele origin: germline.

GeneDx
Classification: Uncertain significance. Last evaluated: 2025-09-30. Review status: criteria provided, single submitter. Criteria: GeneDx Variant Classification Process June 2021. Collection method: clinical testing. Allele origin: germline. Affected: yes.
Comment: Observed in trans with a pathogenic variant in the unaffected parent of a patient with hearing loss in published literature; the affected child harbored two SLC26A4 variants and did not inherit D661E (PMID: 30086623); Observed heterozygous with no second SLC26A4 variant in multiple unrelated patients (PMID: 29605365, 23185506, 26886089, 23638949, 34403091); In silico analysis supports that this missense variant has a deleterious effect on protein structure/function; This variant is associated with the following publications: (PMID: 30762455, 23185506, 30245029, 25761933, 16952406, 18274916, 26886089, 23638949, 21704276, 34545167, 36614229, 34403091, 23555729, 29605365, 32508047, 31095577, 30086623, 24853665, 35276235)

Blueprint Genetics
Classification: Uncertain significance. Last evaluated: 2024-02-29. Review status: criteria provided, single submitter. Criteria: ACMG Guidelines, 2015. Collection method: clinical testing. Allele origin: germline.

Myriad Genetics, Inc.
Classification: Uncertain significance for Pendred syndrome. Last evaluated: 2021-10-01. Review status: criteria provided, single submitter. Criteria: Myriad Women's Health Autosomal Recessive and X-Linked Classification Criteria (2021). Collection method: clinical testing. Allele origin: unknown.
Comment: NM_000441.1(SLC26A4):c.1983C>A(D661E) is a missense variant classified as a variant of uncertain significance in the context of Pendred syndrome. D661E has been observed in cases with relevant disease (PMID: 25761933, 23185506, 23638949). Functional assessments of this variant are not available in the literature. D661E has been observed in population frequency databases (gnomAD: EAS 0.16%). In summary, there is insufficient evidence to classify NM_000441.1(SLC26A4):c.1983C>A(D661E) as pathogenic or benign. Please note: this variant was assessed in the context of healthy population screening.

Genome-Nilou Lab
Classification: Uncertain significance for Autosomal recessive nonsyndromic hearing loss 4. Last evaluated: 2021-09-05. Review status: criteria provided, single submitter. Criteria: ACMG Guidelines, 2015. Collection method: clinical testing. Allele origin: germline. Affected: no.

Genome-Nilou Lab
Classification: Uncertain significance for Pendred syndrome. Last evaluated: 2021-09-05. Review status: criteria provided, single submitter. Criteria: ACMG Guidelines, 2015. Collection method: clinical testing. Allele origin: germline. Affected: no.

Illumina Laboratory Services, Illumina
Classification: Uncertain significance for Pendred syndrome. Last evaluated: 2017-04-27. Review status: criteria provided, single submitter. Criteria: ICSL Variant Classification Criteria 13 December 2019. Collection method: clinical testing. Allele origin: germline.

Illumina Laboratory Services, Illumina
Classification: Uncertain significance for Autosomal recessive nonsyndromic hearing loss 4. Last evaluated: 2017-04-27. Review status: criteria provided, single submitter. Criteria: ICSL Variant Classification Criteria 13 December 2019. Collection method: clinical testing. Allele origin: germline.
Comment: This variant was observed as part of a predisposition screen in an ostensibly healthy population. A literature search was performed for the gene, cDNA change, and amino acid change (where applicable). Publications were found based on this search. However, the evidence from the literature, in combination with allele frequency data from public databases where available, was not sufficient to rule this variant in or out of causing disease. Therefore, this variant is classified as a variant of unknown significance.

Laboratory for Molecular Medicine, Mass General Brigham Personalized Medicine
Classification: Uncertain significance. Last evaluated: 2010-09-23. Review status: criteria provided, single submitter. Criteria: LMM Criteria. Collection method: clinical testing. Allele origin: germline. Observed: 1 variant allele.
Comment: Variant classified as Uncertain Significance - Favor Benign. Computational analyses (biochemical amino acid properties, homolog y, PolyPhen, SIFT, AlignGVGD) do not provide strong support for or against patho genicity. In summary, the clinical significance of this variant cannot be determ ined at this time; however, given the lack of association between SLC26A4 varian ts and retinal disease, the variant is more likley benign.

Juno Genomics, Hangzhou Juno Genomics, Inc
Classification: Uncertain significance for Autosomal recessive nonsyndromic hearing loss 4; Pendred syndrome. Review status: criteria provided, single submitter. Criteria: ACMG Guidelines, 2015. Collection method: clinical testing. Allele origin: germline.
Comment: Multiple lines of computational evidence support a deleterious effect on the gene or gene product.

Natera, Inc.
Classification: Uncertain significance for Pendred syndrome. Last evaluated: 2020-09-16. Review status: no assertion criteria provided. Collection method: clinical testing. Allele origin: germline. Not counted in ClinVar's aggregate classification.

The Core Laboratory in Medical Center of Clinical Research, Shanghai Ninth People's Hospital, Shanghai Jiaotong University School of Medicine
Classification: Pathogenic for Pendred syndrome. Last evaluated: 2020-05-12. Review status: no assertion criteria provided. Collection method: clinical testing. Allele origin: inherited. Affected: yes. Observed: 1 variant allele. Not counted in ClinVar's aggregate classification.

Literature cited by the submitters: PubMed 23555729 (cited by Women's Health and Genetics/Laboratory Corporation of America, LabCorp); PubMed 30245029 (cited by Women's Health and Genetics/Laboratory Corporation of America, LabCorp); PubMed 23185506 (cited by 3 submitters); PubMed 26886089 (cited by Women's Health and Genetics/Laboratory Corporation of America, LabCorp); PubMed 24853665 (cited by Women's Health and Genetics/Laboratory Corporation of America, LabCorp); PubMed 31095577 (cited by Women's Health and Genetics/Laboratory Corporation of America, LabCorp); PubMed 16952406 (cited by Women's Health and Genetics/Laboratory Corporation of America, LabCorp and Illumina Laboratory Services, Illumina); PubMed 30086623 (cited by Women's Health and Genetics/Laboratory Corporation of America, LabCorp); PubMed 34545167 (cited by Women's Health and Genetics/Laboratory Corporation of America, LabCorp); PubMed 23638949 (cited by Myriad Genetics, Inc.); PubMed 25761933 (cited by Myriad Genetics, Inc.); PubMed 18274916 (cited by Illumina Laboratory Services, Illumina); PubMed 21704276 (cited by Illumina Laboratory Services, Illumina).

NM_000441.2(SLC26A4):c.1983C>A (p.Asp661Glu)

Gene: SLC26A4 (solute carrier family 26 member 4; plus strand). Cytogenetic location: 7q22.3.
Variant type: single nucleotide variant.
Coding change: c.1983C>A on transcript NM_000441.2 (MANE Select); coding-DNA position 1983, C replaced by A.
Protein change: p.Asp661Glu; replaces aspartic acid 661 with glutamic acid.
Molecular consequence: missense variant.
Genome position (GRCh38, 1-based): chr7:107,702,006, C>A. VCF-style: chr7-107702006-C-A. GRCh37 (hg19) VCF-style: chr7-107342451-C-A.
Other names: short protein forms D661E.
Identifiers: ClinVar variation 43529 (VCV000043529.36), dbSNP rs199588131, ClinGen allele CA132687.